The following is an entry in ClinVar:

NM_006904.7(PRKDC):c.7709C>T (p.Pro2570Leu)

Gene: PRKDC (protein kinase, DNA-activated, catalytic subunit; minus strand). Cytogenetic location: 8q11.21.
Variant type: single nucleotide variant.
Coding change: c.7709C>T on transcript NM_006904.7 (MANE Select); coding-DNA position 7709, C replaced by T.
Protein change: p.Pro2570Leu; replaces proline 2570 with leucine.
Molecular consequence: missense variant.
Genome position (GRCh38, 1-based): chr8:47,837,264, G>A on the plus strand (C>T on the coding strand, the complement: PRKDC is on the minus strand). VCF-style: chr8-47837264-G-A. GRCh37 (hg19) VCF-style: chr8-48749825-G-A.
Other names: c.7709C>T, p.Pro2570Leu (NM_001081640.2); short protein forms P2570L.
Identifiers: ClinVar variation 1440186 (VCV001440186.5), dbSNP rs1282206069, ClinGen allele CA371152640.

ClinVar aggregate classification (germline): Uncertain significance (1 of 4 stars; one submission).

Conditions:
Severe combined immunodeficiency due to DNA-PKcs deficiency. Also called: IMMUNODEFICIENCY 26 WITH NEUROLOGIC ABNORMALITIES; Immunodeficiency 26 with or without neurologic abnormalities. Identifiers: Orphanet 317425, MedGen C4014833, MONDO:0014423, OMIM 615966.

Allele frequency attached by ClinVar (database versions not stated): gnomAD exomes below 0.00001 and 0.00001; gnomAD 0.00001.
gnomAD v4.1: 6 of 1,613,782 alleles (0.00037%); highest among the groups gnomAD compares: South Asian, 0.0011%; no homozygotes.

Submission:

Labcorp Genetics (formerly Invitae), Labcorp
Classification: Uncertain significance for Severe combined immunodeficiency due to DNA-PKcs deficiency. Last evaluated: 2021-10-20. Review status: criteria provided, single submitter. Criteria: Invitae Variant Classification Sherloc (09022015). Collection method: clinical testing. Allele origin: germline.
Comment: This sequence change replaces proline with leucine at codon 2570 of the PRKDC protein (p.Pro2570Leu). The proline residue is highly conserved and there is a moderate physicochemical difference between proline and leucine. This variant is not present in population databases (ExAC no frequency). This variant has not been reported in the literature in individuals affected with PRKDC-related conditions. Experimental studies and prediction algorithms are not available or were not evaluated, and the functional significance of this variant is currently unknown. In summary, the available evidence is currently insufficient to determine the role of this variant in disease. Therefore, it has been classified as a Variant of Uncertain Significance.